The following is an entry in ClinVar:

NM_000540.3(RYR1):c.9148G>A (p.Val3050Ile)

Gene: RYR1 (ryanodine receptor 1; plus strand). Cytogenetic location: 19q13.2.
Variant type: single nucleotide variant.
Coding change: c.9148G>A on transcript NM_000540.3 (MANE Select); coding-DNA position 9148, G replaced by A.
Protein change: p.Val3050Ile; replaces valine 3050 with isoleucine.
Molecular consequence: missense variant.
Genome position (GRCh38, 1-based): chr19:38,511,586, G>A. VCF-style: chr19-38511586-G-A. GRCh37 (hg19) VCF-style: chr19-39002226-G-A.
Other names: c.9148G>A, p.Val3050Ile (NM_001042723.2); short protein forms V3050I.
Identifiers: ClinVar variation 329086 (VCV000329086.41), dbSNP rs200797340, ClinGen allele CA073259.

ClinVar aggregate classification (germline): Conflicting classifications of pathogenicity. Review status: criteria provided, conflicting classifications (1 of 4 stars). 8 submissions from 8 submitters: Uncertain significance (7); Likely benign (1). Last evaluated 2026-09-11.

Conditions:
RYR1-related disorder. Also called: RYR1-related condition; RYR1-related disorders. Identifiers: MedGen CN239331.
Malignant hyperthermia, susceptibility to, 1 (MHS1). Also called: Malignant hyperthermia suceptibility 1; RYR1-Related Malignant Hyperthermia Susceptibility; Anesthesia related hyperthermia; Malignant hyperpyrexia; Fulminating hyperpyrexia; Pharmacogenic myopathy. Identifiers: Orphanet 423, MedGen C2930980, MONDO:0007783, OMIM 145600.
Central core myopathy (CMYO1A). Also called: CONGENITAL MYOPATHY 1A, AUTOSOMAL DOMINANT, WITH SUSCEPTIBILITY TO MALIGNANT HYPERTHERMIA; Central core disease; Myopathy, central fibrillar. Identifiers: Orphanet 597, MedGen C5830701, MONDO:0007294, OMIM 117000.
King Denborough syndrome (KDS). Identifiers: MedGen C1840365, MONDO:0020485, OMIM 619542.
Congenital multicore myopathy with external ophthalmoplegia (CMYO1B). Also called: Minicore myopathy with external ophthalmoplegia; MULTIMINICORE DISEASE WITH EXTERNAL OPHTHALMOPLEGIA; Congenital myopathy 1B, autosomal recessive; Minicore myopathy; MULTICORE MYOPATHY. Identifiers: Orphanet 598, Orphanet 98905, MedGen C1850674, MONDO:0009712, OMIM 255320, HP:0003789.

Allele frequency attached by ClinVar (database versions not stated): ExAC 0.00012; gnomAD 0.00013 and 0.00014; gnomAD exomes 0.00015; ESP Exome Variant Server 0.00023; TOPMed 0.00025; 1000 Genomes Project 0.00040; 1000 Genomes Project 30x 0.00062.
gnomAD v4.1: 160 of 1,613,694 alleles (0.0099%); highest among the groups gnomAD compares: Middle Eastern, 0.12%; 1 homozygote.

Submissions (8):

PreventionGenetics, part of Exact Sciences
Classification: Uncertain significance for RYR1-related condition. Last evaluated: 2026-09-11. Review status: criteria provided, single submitter. Criteria: ACMG Guidelines, 2015. Collection method: clinical testing. Allele origin: germline.
Comment: The RYR1 c.9148G>A variant is predicted to result in the amino acid substitution p.Val3050Ile. This variant has been reported in an individual with centronuclear myopathy (supplemental, Gonzalez-Quereda et al. 2020. PubMed ID: 32403337). This variant has also been reported with an additional RYR1 variant in patients with clinical features of RYR1-related myopathy (Table S2, Sanchis-Juan et al. 2023. PubMed ID: 37541188; Ginsberg et al. 2026. PubMed ID: 41753076). This variant is reported in 0.045% of alleles in individuals of Latino descent in gnomAD. In gnomAD v4 (available only on GRCh38), this variant is reported in 0.11% of alleles in a subpopulation, including one homozygote. This population data is not consistent with this variant being a primary cause of disease. This variant has conflicting classifications in the ClinVar database ranging from likely benign to uncertain (Variation ID: 329086). Although we suspect that this variant may be benign, at this time, the clinical significance of this variant is uncertain due to the absence of conclusive functional and genetic evidence.

Labcorp Genetics (formerly Invitae), Labcorp
Classification: Likely benign for RYR1-related disorder. Last evaluated: 2026-01-28. Review status: criteria provided, single submitter. Criteria: Invitae Variant Classification Sherloc (09022015). Collection method: clinical testing. Allele origin: germline.

Revvity Omics, Revvity
Classification: Uncertain significance. Last evaluated: 2024-09-11. Review status: criteria provided, single submitter. Criteria: ACMG Guidelines, 2015. Collection method: clinical testing. Allele origin: germline.

All of Us Research Program, National Institutes of Health
Classification: Uncertain significance for Malignant hyperthermia, susceptibility to, 1. Last evaluated: 2024-08-13. Review status: criteria provided, single submitter. Criteria: ACMG Guidelines, 2015. Collection method: clinical testing. Allele origin: germline. Inheritance: Autosomal dominant inheritance. Observed: 41 variant alleles, 41 heterozygotes.
Comment: This missense variant replaces valine with isoleucine at codon 3050 of the RYR1 protein. Computational prediction suggests that this variant may not impact protein structure and function (internally defined REVEL score threshold <= 0.5, PMID: 27666373). To our knowledge, functional studies have not been reported for this variant. This variant has not been reported in individuals affected with autosomal dominant malignant hyperthermia in the literature, although it is has been observed in individuals affected with other condition(s) (PMID: 32403337). This variant has been identified in 39/282718 chromosomes in the general population by the Genome Aggregation Database (gnomAD). The available evidence is insufficient to determine the role of this variant in disease conclusively. Therefore, this variant is classified as a Variant of Uncertain Significance.

This study involves interpretation of variants in research participants for the purpose of population health screening. Participant phenotype was not available at the time of variant classification. Additional details can be found in publication PMID: 35346344, PMCID: PMC8962531

CeGaT Center for Human Genetics Tuebingen
Classification: Uncertain significance. Last evaluated: 2024-08-01. Review status: criteria provided, single submitter. Criteria: CeGaT Center For Human Genetics Tuebingen Variant Classification Criteria Version 2. Collection method: clinical testing. Allele origin: germline. Affected: yes. Observed: 1 variant allele.
Comment: RYR1: PP4

Color Diagnostics, LLC DBA Color Health
Classification: Uncertain significance for Malignant hyperthermia, susceptibility to, 1. Last evaluated: 2024-05-24. Review status: criteria provided, single submitter. Criteria: ACMG Guidelines, 2015. Collection method: clinical testing. Allele origin: germline.
Comment: This missense variant replaces valine with isoleucine at codon 3050 of the RYR1 protein. Computational prediction suggests that this variant may not impact protein structure and function. To our knowledge, functional studies have not been reported for this variant. This variant has not been reported in individuals affected with autosomal dominant malignant hyperthermia in the literature, although it is has been observed in individuals affected with other condition(s) (PMID: 32403337). This variant has been identified in 39/282718 chromosomes in the general population by the Genome Aggregation Database (gnomAD). The available evidence is insufficient to determine the role of this variant in disease conclusively. Therefore, this variant is classified as a Variant of Uncertain Significance.

Fulgent Genetics
Classification: Uncertain significance for Central core myopathy; Malignant hyperthermia, susceptibility to, 1; Congenital multicore myopathy with external ophthalmoplegia; King Denborough syndrome. Last evaluated: 2024-04-05. Review status: criteria provided, single submitter. Criteria: ACMG Guidelines, 2015. Collection method: clinical testing. Allele origin: germline.

GeneDx
Classification: Uncertain significance. Last evaluated: 2021-12-20. Review status: criteria provided, single submitter. Criteria: GeneDx Variant Classification Process June 2021. Collection method: clinical testing. Allele origin: germline. Affected: yes.
Comment: Observed in an individual with centronuclear myopathy through a neuromuscular disorders next-generation sequencing panel (Gonzalez-Quereda et al., 2020); In silico analysis supports that this missense variant does not alter protein structure/function; This variant is associated with the following publications: (PMID: 32403337, 12668474)

Literature cited by the submitters: PubMed 32403337 (cited by All of Us Research Program, National Institutes of Health and Color Diagnostics, LLC DBA Color Health).